The following is an entry in ClinVar:

ClinVar aggregate classification (germline): Pathogenic (1 of 4 stars; one submission).

Conditions:
CYP21A2-related disorder. Also called: CYP21A2-related condition.

Submission:

PreventionGenetics, part of Exact Sciences
Classification: Pathogenic for CYP21A2-related condition. Last evaluated: 2025-08-26. Review status: criteria provided, single submitter. Criteria: ACMG Guidelines, 2015. Collection method: clinical testing. Allele origin: germline.
Comment: The CYP21A2 c.1222+1G>T variant is predicted to disrupt the GT donor site and interfere with normal splicing. Another nucleotide change at the same position, defined as c.1222+1G>C, was reported as a null allele in a genotype-phenotype correlation study of CAH (IVS9+1G>C in Supplemental Table 1, Krone et al. 2013. PubMed ID: 23337727). The c.1222+1G>T variant is reported in 0.00094% of alleles in individuals of European (Non-Finnish) descent in gnomAD. This variant falls within a highly paralogous region. Allele frequency data should be interpreted with caution. Variants that disrupt the splice donor site in CYP21A2 are expected to be pathogenic and associated with SW CAH. This variant is interpreted as pathogenic.

NM_000500.9(CYP21A2):c.1222+1G>T

Genes: CYP21A2 (cytochrome P450 family 21 subfamily A member 2; plus strand), LOC106780800 (CYP21A2 recombination region; plus strand). Cytogenetic location: 6p21.33.
Variant type: single nucleotide variant.
Coding change: c.1222+1G>T on transcript NM_000500.9 (MANE Select); the canonical splice donor site of the intron after coding-DNA position 1222, G replaced by T.
Molecular consequence: splice donor variant.
Genome position (GRCh38, 1-based): chr6:32,040,772, G>T. VCF-style: chr6-32040772-G-T. GRCh37 (hg19) VCF-style: chr6-32008549-G-T.
Other names: c.817+1G>T (NM_001368143.2, NM_001368144.2); c.1132+1G>T (NM_001128590.4).
Identifiers: ClinVar variation 4988938 (VCV004988938.1).